The following is an entry in ClinVar:

ClinVar aggregate classification (germline): Uncertain significance (1 of 4 stars; one submission).

Conditions:
Brugada syndrome. Also called: Sudden unexpected nocturnal death syndrome; Sudden Unexplained Death Syndrome; Sudden Unexplained Nocturnal Death Syndrome (SUNDS); Sudden unexplained nocturnal death syndrome. Identifiers: Orphanet 130, MedGen C1142166, MONDO:0015263.

gnomAD v4.1: 1 of 1,614,194 alleles (0.000062%); highest among the groups gnomAD compares: Non-Finnish European, 0.000085%; no homozygotes.

Submission:

Labcorp Genetics (formerly Invitae), Labcorp
Classification: Uncertain significance for Brugada syndrome. Last evaluated: 2020-07-23. Review status: criteria provided, single submitter. Criteria: Invitae Variant Classification Sherloc (09022015). Collection method: clinical testing. Allele origin: germline.
Comment: This variant is not present in population databases (ExAC no frequency). This variant has not been reported in the literature in individuals with SCN10A-related conditions. In summary, the available evidence is currently insufficient to determine the role of this variant in disease. Therefore, it has been classified as a Variant of Uncertain Significance. This sequence change results in a premature translational stop signal in the SCN10A gene (p.Glu1943*). While this is not anticipated to result in nonsense mediated decay, it is expected to disrupt the last 14 amino acids of the SCN10A protein.

NM_006514.4(SCN10A):c.5827G>T (p.Glu1943Ter)

Gene: SCN10A (sodium voltage-gated channel alpha subunit 10; minus strand). Cytogenetic location: 3p22.2.
Variant type: single nucleotide variant.
Coding change: c.5827G>T on transcript NM_006514.4 (MANE Select); coding-DNA position 5827, G replaced by T.
Protein change: p.Glu1943Ter; replaces glutamic acid 1943 with a stop codon.
Molecular consequence: nonsense.
Genome position (GRCh38, 1-based): chr3:38,697,393, C>A on the plus strand (G>T on the coding strand, the complement: SCN10A is on the minus strand). VCF-style: chr3-38697393-C-A. GRCh37 (hg19) VCF-style: chr3-38738884-C-A.
Other names: c.5824G>T, p.Glu1942Ter (NM_001293306.2); c.5533G>T, p.Glu1845Ter (NM_001293307.2); short protein forms E1942*, E1845*, E1943*.
Identifiers: ClinVar variation 968400 (VCV000968400.6), dbSNP rs2063100701, ClinGen allele CA352152268.